The following is an entry in ClinVar:

ClinVar aggregate classification (germline): Uncertain significance (1 of 4 stars; one submission).

gnomAD v4.1: 3 of 1,600,088 alleles (0.00019%); highest among the groups gnomAD compares: East Asian, 0.0022%; no homozygotes.

Submission:

Mayo Clinic Laboratories, Mayo Clinic
Classification: Uncertain significance. Last evaluated: 2025-03-07. Review status: criteria provided, single submitter. Criteria: ACMG Guidelines, 2015. Collection method: clinical testing. Allele origin: germline. Observed: 1 variant allele.
Comment: PM2_supporting

NM_198525.3(KIF7):c.3499C>T (p.Leu1167Phe)

Genes: KIF7 (kinesin family member 7; minus strand), LOC126862216 (BRD4-independent group 4 enhancer GRCh37_chr15:90171995-90173194; plus strand). Cytogenetic location: 15q26.1.
Variant type: single nucleotide variant.
Coding change: c.3499C>T on transcript NM_198525.3 (MANE Select); coding-DNA position 3499, C replaced by T.
Protein change: p.Leu1167Phe; replaces leucine 1167 with phenylalanine.
Molecular consequence: missense variant.
Genome position (GRCh38, 1-based): chr15:89,629,393, G>A on the plus strand (C>T on the coding strand, the complement: KIF7 is on the minus strand). VCF-style: chr15-89629393-G-A. GRCh37 (hg19) VCF-style: chr15-90172624-G-A.
Other names: p.Leu1167Phe; short protein forms L1167F.
Identifiers: ClinVar variation 4541981 (VCV004541981.1).
Genomic context (GRCh38, chr15:89,629,393, plus strand): 5'-TGGAGGGGGCCGGGGTTGTGAGCCATGGGCCGGGCTGCTCACCTCGACTCTGCTGCAGGA[G>A]CAGCTGCATGTTCTGCTCGTGCTCCTTCTGCTGCAGGGTCAGCTGGCGGTCCATCTCCAG-3'
Protein context (NP_940927.2, residues 1157-1177): QKEHEQNMQL[Leu1167Phe]LQQSRDHLGE